The following is an entry in ClinVar:

NM_005732.4(RAD50):c.2359G>A (p.Val787Ile)

Gene: RAD50 (RAD50 double strand break repair protein; plus strand). Cytogenetic location: 5q31.1.
Variant type: single nucleotide variant.
Coding change: c.2359G>A on transcript NM_005732.4 (MANE Select); coding-DNA position 2359, G replaced by A.
Protein change: p.Val787Ile; replaces valine 787 with isoleucine.
Molecular consequence: missense variant.
Genome position (GRCh38, 1-based): chr5:132,603,451, G>A. VCF-style: chr5-132603451-G-A. GRCh37 (hg19) VCF-style: chr5-131939143-G-A.
Other names: short protein forms V787I.
Identifiers: ClinVar variation 3786295 (VCV003786295.1).

ClinVar aggregate classification (germline): Uncertain significance (1 of 4 stars; one submission).

Conditions:
Hereditary cancer-predisposing syndrome. Also called: Neoplastic Syndromes, Hereditary; Hereditary Cancer Syndrome; Tumor predisposition; Hereditary neoplastic syndrome. Identifiers: Orphanet 140162, MedGen C0027672, MeSH D009386, MONDO:0015356.

gnomAD v4.1: 2 of 1,613,952 alleles (0.00012%); highest among the groups gnomAD compares: Non-Finnish European, 0.00017%; no homozygotes.

Submission:

Ambry Genetics
Classification: Uncertain significance for Hereditary cancer-predisposing syndrome. Last evaluated: 2025-01-19. Review status: criteria provided, single submitter. Criteria: Ambry Variant Classification Scheme 2023. Collection method: clinical testing. Allele origin: germline.
Comment: The p.V787I variant (also known as c.2359G>A), located in coding exon 14 of the RAD50 gene, results from a G to A substitution at nucleotide position 2359. The valine at codon 787 is replaced by isoleucine, an amino acid with highly similar properties. This amino acid position is conserved. In addition, this alteration is predicted to be tolerated by in silico analysis. Based on the available evidence, the clinical significance of this variant remains unclear.